The following is an entry in ClinVar:

ClinVar aggregate classification (germline): Likely benign (1 of 4 stars; one submission).

Allele frequency attached by ClinVar (database versions not stated): 1000 Genomes Project 30x 0.00016; 1000 Genomes Project 0.00020; ESP Exome Variant Server 0.00077; ExAC 0.00101; gnomAD 0.00107.
gnomAD v4.1: 2,089 of 1,614,058 alleles (0.13%); highest among the groups gnomAD compares: Non-Finnish European, 0.16%; 5 homozygotes.

Submission:

CeGaT Center for Human Genetics Tuebingen
Classification: Likely benign. Last evaluated: 2026-02-01. Review status: criteria provided, single submitter. Criteria: CeGaT Center For Human Genetics Tuebingen Variant Classification Criteria Version 2. Collection method: clinical testing. Allele origin: germline. Affected: yes. Observed: 3 variant alleles.
Comment: FILIP1: BP4, BP7

NM_015687.5(FILIP1):c.516C>T (p.Ala172=)

Gene: FILIP1 (filamin A interacting protein 1; minus strand). Cytogenetic location: 6q14.1.
Variant type: single nucleotide variant.
Coding change: c.516C>T on transcript NM_015687.5 (MANE Select); coding-DNA position 516, C replaced by T.
Protein change: p.Ala172=; no amino-acid change (alanine 172 retained).
Molecular consequence: synonymous variant.
Genome position (GRCh38, 1-based): chr6:75,353,652, G>A on the plus strand (C>T on the coding strand, the complement: FILIP1 is on the minus strand). VCF-style: chr6-75353652-G-A. GRCh37 (hg19) VCF-style: chr6-76063368-G-A.
Other names: c.525C>T, p.Ala175= (NM_001289987.3); c.516C>T, p.Ala172= (NM_001300866.3).
Identifiers: ClinVar variation 2656708 (VCV002656708.24), dbSNP rs142490872, ClinGen allele CA3895595.